The following is an entry in ClinVar:

ClinVar aggregate classification (germline): Uncertain significance (1 of 4 stars; one submission).

Conditions:
Pyogenic arthritis-pyoderma gangrenosum-acne syndrome (PAPA). Also called: FAMILIAL RECURRENT ARTHRITIS; PAPA SYNDROME. Identifiers: Orphanet 69126, MedGen C1858361, MONDO:0011462, OMIM 604416.

Submission:

Labcorp Genetics (formerly Invitae), Labcorp
Classification: Uncertain significance for Pyogenic arthritis-pyoderma gangrenosum-acne syndrome. Last evaluated: 2022-07-11. Review status: criteria provided, single submitter. Criteria: Invitae Variant Classification Sherloc (09022015). Collection method: clinical testing. Allele origin: germline.
Comment: This variant results in a copy number gain of the genomic region encompassing exon(s) 9-15 of the PSTPIP1 gene. This region includes the termination codon of the gene. This copy number gain extends beyond the assayed region for this gene and therefore may encompass additional genes. As the precise location of this event is unknown, it may be in tandem or it may be located elsewhere in the genome. This variant has not been reported in the literature in individuals affected with PSTPIP1-related conditions. In summary, the available evidence is currently insufficient to determine the role of this variant in disease. Therefore, it has been classified as a Variant of Uncertain Significance.

NC_000015.10:g.(?_77030482)_(77037196_?)dup

Gene: PSTPIP1 (proline-serine-threonine phosphatase interacting protein 1; plus strand). Cytogenetic location: 15q24.3.
Variant type: Duplication.
Identifiers: ClinVar variation 831523 (VCV000831523.5).